The following is an entry in ClinVar:

ClinVar aggregate classification (germline): Uncertain significance (1 of 4 stars; one submission).

Conditions:
Huntington disease-like 1 (HDL1). Also called: HUNTINGTON-LIKE NEURODEGENERATIVE DISORDER 1; HUNTINGTON-LIKE NEURODEGENERATIVE DISORDER, AUTOSOMAL DOMINANT; PRION DISEASE, EARLY-ONSET, WITH PROMINENT PSYCHIATRIC FEATURES. Identifiers: Orphanet 157941, MedGen C1864112, MONDO:0011299, OMIM 603218.

Allele frequency attached by ClinVar (database versions not stated): gnomAD exomes 0.00001.
gnomAD v4.1: 4 of 1,611,668 alleles (0.00025%); highest among the groups gnomAD compares: Non-Finnish European, 0.00034%; no homozygotes.

Submission:

Labcorp Genetics (formerly Invitae), Labcorp
Classification: Uncertain significance for Huntington disease-like 1. Last evaluated: 2023-03-01. Review status: criteria provided, single submitter. Criteria: Invitae Variant Classification Sherloc (09022015). Collection method: clinical testing. Allele origin: germline.
Comment: This sequence change replaces leucine, which is neutral and non-polar, with proline, which is neutral and non-polar, at codon 250 of the PRNP protein (p.Leu250Pro). The frequency data for this variant in the population databases is considered unreliable, as metrics indicate poor data quality at this position in the gnomAD database. This variant has not been reported in the literature in individuals affected with PRNP-related conditions. Advanced modeling of protein sequence and biophysical properties (such as structural, functional, and spatial information, amino acid conservation, physicochemical variation, residue mobility, and thermodynamic stability) performed at Invitae indicates that this missense variant is not expected to disrupt PRNP protein function. In summary, the available evidence is currently insufficient to determine the role of this variant in disease. Therefore, it has been classified as a Variant of Uncertain Significance.

NM_000311.5(PRNP):c.749T>C (p.Leu250Pro)

Gene: PRNP (prion protein (Kanno blood group); plus strand). Cytogenetic location: 20p13.
Variant type: single nucleotide variant.
Coding change: c.749T>C on transcript NM_000311.5 (MANE Select); coding-DNA position 749, T replaced by C.
Protein change: p.Leu250Pro; replaces leucine 250 with proline.
Molecular consequence: missense variant. On other transcripts: 3 prime UTR variant (1).
Genome position (GRCh38, 1-based): chr20:4,699,969, T>C. VCF-style: chr20-4699969-T-C. GRCh37 (hg19) VCF-style: chr20-4680615-T-C.
Other names: c.749T>C, p.Leu250Pro (NM_001080121.3, NM_001080122.3, NM_001080123.3 and 1 more transcripts); c.*438T>C (NM_001271561.3); short protein forms L250P.
Identifiers: ClinVar variation 2728179 (VCV002728179.3), dbSNP rs1412795882, ClinGen allele CA408153033.
Genomic context (GRCh38, chr20:4,699,969, plus strand): 5'-CGAGCATGGTCCTCTTCTCCTCTCCACCTGTGATCCTCCTGATCTCTTTCCTCATCTTCC[T>C]GATAGTGGGATGAGGAAGGTCTTCCTGTTTTCACCATCTTTCTAATCTTTTTCCAGCTTG-3'
Protein context (NP_000302.1, residues 240-253): VILLISFLIF[Leu250Pro]IVG